The following is an entry in ClinVar:

NM_001111125.3(IQSEC2):c.684C>T (p.Ser228=)

Gene: IQSEC2 (IQ motif and Sec7 domain ArfGEF 2; minus strand). Cytogenetic location: Xp11.22.
Variant type: single nucleotide variant.
Coding change: c.684C>T on transcript NM_001111125.3 (MANE Select); coding-DNA position 684, C replaced by T.
Protein change: p.Ser228=; no amino-acid change (serine 228 retained).
Molecular consequence: synonymous variant.
Genome position (GRCh38, 1-based): chrX:53,320,440, G>A on the plus strand (C>T on the coding strand, the complement: IQSEC2 is on the minus strand). VCF-style: chrX-53320440-G-A. GRCh37 (hg19) VCF-style: chrX-53349638-G-A.
Identifiers: ClinVar variation 193167 (VCV000193167.60), dbSNP rs781940286, ClinGen allele CA238673.

ClinVar aggregate classification (germline): Conflicting classifications of pathogenicity. Review status: criteria provided, conflicting classifications (1 of 4 stars). 6 submissions from 6 submitters: Uncertain significance (1); Benign (1); Likely benign (3). 1 of the submissions does not count toward it. Last evaluated 2026-03-02.

Conditions:
Intellectual developmental disorder, X-linked 1. Also called: MENTAL RETARDATION, X-LINKED 18; MENTAL RETARDATION, X-LINKED 78; Intellectual disability, X-linked 1; Atkin Flaitz Patil Smith syndrome. Identifiers: Orphanet 777, MedGen C2931498, MONDO:0010656, OMIM 309530.
Tip-toe gait. Also called: Toe walking. Identifiers: MedGen C0427144, HP:0030051.

Allele frequency attached by ClinVar (database versions not stated): gnomAD 0.00006 and 0.00007; TOPMed 0.00008; gnomAD exomes 0.00009; 1000 Genomes Project 30x 0.00021; 1000 Genomes Project 0.00026; ExAC 0.00026.
gnomAD v4.1: 86 of 1,164,975 alleles (0.0074%); highest among the groups gnomAD compares: Middle Eastern, 0.16%; no homozygotes.

Submissions (6):

Women's Health and Genetics/Laboratory Corporation of America, LabCorp
Classification: Likely benign. Last evaluated: 2026-03-02. Review status: criteria provided, single submitter. Criteria: LabCorp Variant Classification Summary - May 2015. Collection method: clinical testing. Allele origin: germline.
Comment: Variant summary: IQSEC2 c.684C>T results in a synonymous change. Consensus agreement among computation tools predict no significant impact on normal splicing. However, these predictions have yet to be confirmed by functional studies. The variant allele was found at a frequency of 9.3e-05 in 108095 control chromosomes (gnomAD), including several hemizygous males. To our knowledge, no occurrence of c.684C>T in individuals affected with IQSEC2-related conditions and no experimental evidence demonstrating its impact on protein function have been reported. ClinVar contains an entry for this variant (Variation ID: 193167). Based on the evidence outlined above, the variant was classified as likely benign.

Labcorp Genetics (formerly Invitae), Labcorp
Classification: Benign for Intellectual developmental disorder, X-linked 1. Last evaluated: 2025-11-01. Review status: criteria provided, single submitter. Criteria: Invitae Variant Classification Sherloc (09022015). Collection method: clinical testing. Allele origin: germline.

Blueprint Genetics
Classification: Likely benign. Last evaluated: 2024-10-24. Review status: criteria provided, single submitter. Criteria: ACMG Guidelines, 2015. Collection method: clinical testing. Allele origin: germline.

CeGaT Center for Human Genetics Tuebingen
Classification: Likely benign. Last evaluated: 2023-05-01. Review status: criteria provided, single submitter. Criteria: CeGaT Center For Human Genetics Tuebingen Variant Classification Criteria Version 2. Collection method: clinical testing. Allele origin: germline. Affected: yes. Observed: 2 variant alleles.
Comment: IQSEC2: BP4, BP7, BS2

Eurofins Ntd Llc (ga)
Classification: Uncertain significance. Last evaluated: 2015-05-27. Review status: criteria provided, single submitter. Criteria: EGL Classification Definitions 2015. Collection method: clinical testing. Allele origin: germline. Observed: 1 variant allele, 1 hemizygote.

Practice for Gait Abnormalities, David Pomarino, Competency Network Toe Walking C/o Practice Pomarino
Classification: Likely pathogenic for Tip-toe gait. Last evaluated: 2022-01-19. Review status: no assertion criteria provided. Collection method: clinical testing. Allele origin: germline. Affected: yes. Not counted in ClinVar's aggregate classification.
Comment: Hereditary motor sensory neuropathy (HMSN), also known as Charcot-Marie-Tooth Disease (CMT), is the most commonly inherited peripheral polyneuropathy. It constitutes a group of inherited, progressive, motor and sensory peripheral nerve disorders with properties of demyelination, axonal degeneration, or both. It is classified by clinical characteristics, modes of inheritance, electrophysiologic features, metabolic defects, and specific gene markers. Our patients all walk on tiptoe, so they show similar symptoms. When we genetically test them with our toe walking panel, we find that around 90 per cent of them have a genetic variant that explains their toe walking. These can be assigned, for example, to the area of myopathies (such as variants of the COL6A3 gene), the area of hereditary neuropathies (such as variants of the KMT2C gene) or the area of metabolic diseases (such as variants of the PYGM gene). In a smaller group of patients with almost identical symptoms, no abnormality is found in the genes of our panel, but spastic paraplegia can be detected. In another small group of our toe walkers, no abnormalities can be detected in the genes analysed in our toe walking panel, nor do they suffer from spastic paraplegia, as is also the case with healthy children. In contrast to these, however, they show a tiptoe gait. These patients suffer from infantile cerebral palsy, in which toe walking can also be observed.

Literature cited by the submitters: PubMed 37091313 (cited by Practice for Gait Abnormalities, David Pomarino, Competency Network Toe Walking C/o Practice Pomarino).